The following is an entry in ClinVar:

ClinVar aggregate classification (germline): Likely pathogenic (1 of 4 stars; one submission).

Submission:

GeneDx
Classification: Likely pathogenic. Last evaluated: 2024-02-14. Review status: criteria provided, single submitter. Criteria: GeneDx Variant Classification Process June 2021. Collection method: clinical testing. Allele origin: germline. Affected: yes.
Comment: Not observed at significant frequency in large population cohorts (gnomAD); In silico analysis supports that this missense variant has a deleterious effect on protein structure/function; In silico analysis suggests this variant may impact gene splicing. In the absence of RNA/functional studies, the actual effect of this sequence change is unknown.; Has not been previously published as pathogenic or benign to our knowledge; This variant is associated with the following publications: (PMID: 27851449)

NM_002055.5(GFAP):c.1034A>C (p.His345Pro)

Gene: GFAP (glial fibrillary acidic protein; minus strand). Cytogenetic location: 17q21.31.
Variant type: single nucleotide variant.
Coding change: c.1034A>C on transcript NM_002055.5 (MANE Select); coding-DNA position 1034, A replaced by C.
Protein change: p.His345Pro; replaces histidine 345 with proline.
Molecular consequence: missense variant.
Genome position (GRCh38, 1-based): chr17:44,911,329, T>G on the plus strand (A>C on the coding strand, the complement: GFAP is on the minus strand). VCF-style: chr17-44911329-T-G. GRCh37 (hg19) VCF-style: chr17-42988697-T-G.
Other names: c.1034A>C, p.His345Pro (NM_001131019.3, NM_001242376.3, NM_001363846.2); short protein forms H345P.
Identifiers: ClinVar variation 3253538 (VCV003253538.1), dbSNP rs2508933747.
Genomic context (GRCh38, chr17:44,911,329, plus strand): 5'-GTGGCGATCTCGATGTCCAGGGCCAGCTTGACATTGAGCAGGTCCTGGTACTCCTGCAAG[T>G]GGCGGGCCATCTCGTCCTTGAGGCTCTGCCCCTCTTCCTCCAGCCGCGCCAGCGCCTCCT-3'
Protein context (NP_002046.1, residues 335-355): GQSLKDEMAR[His345Pro]LQEYQDLLNV